The following is an entry in ClinVar:

NM_001042424.3(NSD2):c.1675-12_1675-10del

Gene: NSD2 (nuclear receptor binding SET domain protein 2; plus strand). Cytogenetic location: 4p16.3.
Variant type: Deletion.
Coding change: c.1675-12_1675-10del on transcript NM_001042424.3 (MANE Select); 12 bases into the intron before coding-DNA position 1675 through 10 bases into the intron before coding-DNA position 1675, 3 bases deleted (TTT; older notation c.1675-12_1675-10delTTT).
Molecular consequence: intron variant.
Genome position (GRCh38, 1-based): chr4:1,938,439-1,938,441, TTT deleted; deleting any 3 consecutive bases within chr4:1,938,417-1,938,441 gives the same sequence; the c. name uses the placement nearest the transcript's 3' end. VCF-style (leftmost placement, unchanged base first): chr4-1938416-CTTT-C. GRCh37 (hg19) VCF-style: chr4-1940143-CTTT-C.
Other names: c.1675-12_1675-10del (NM_001440892.1, NM_001440894.1, NM_001440895.1 and 6 more transcripts); c.1774-12_1774-10del (NM_001440893.1); c.706-12_706-10del (NM_001440900.1, NM_001440899.1); c.1674+3177_1674+3179del (NM_001440897.1, NM_001440898.1).
Identifiers: ClinVar variation 3041256 (VCV003041256.2), dbSNP rs746279426, ClinGen allele CA792739744.

ClinVar aggregate classification (germline): Likely benign (0 of 4 stars; one submission).

Conditions:
NSD2-related disorder. Also called: NSD2-related condition; NSD2 related disorders.

Submission:

PreventionGenetics, part of Exact Sciences
Classification: Likely benign for NSD2-related condition. Last evaluated: 2019-05-30. Review status: no assertion criteria provided. Collection method: clinical testing. Allele origin: germline.
Comment: This variant is classified as likely benign based on ACMG/AMP sequence variant interpretation guidelines (Richards et al. 2015 PMID: 25741868, with internal and published modifications).